The following is an entry in ClinVar:

ClinVar aggregate classification (germline): Likely benign (1 of 4 stars; one submission).

Submission:

CeGaT Center for Human Genetics Tuebingen
Classification: Likely benign. Last evaluated: 2024-03-01. Review status: criteria provided, single submitter. Criteria: CeGaT Center For Human Genetics Tuebingen Variant Classification Criteria Version 2. Collection method: clinical testing. Allele origin: germline. Affected: yes. Observed: 1 variant allele.
Comment: CAMTA2: PM2:Supporting, BP4, BP7

NM_015099.4(CAMTA2):c.3243T>C (p.Cys1081=)

Genes: CAMTA2 (calmodulin binding transcription activator 2; minus strand), LOC126862471 (BRD4-independent group 4 enhancer GRCh37_chr17:4872157-4873356; plus strand). Cytogenetic location: 17p13.2.
Variant type: single nucleotide variant.
Coding change: c.3243T>C on transcript NM_015099.4 (MANE Select); coding-DNA position 3243, T replaced by C.
Protein change: p.Cys1081=; no amino-acid change (cysteine 1081 retained).
Molecular consequence: synonymous variant.
Genome position (GRCh38, 1-based): chr17:4,969,648, A>G on the plus strand (T>C on the coding strand, the complement: CAMTA2 is on the minus strand). VCF-style: chr17-4969648-A-G. GRCh37 (hg19) VCF-style: chr17-4872943-A-G.
Other names: c.3249T>C, p.Cys1083= (NM_001171166.2); c.3312T>C, p.Cys1104= (NM_001171167.2); c.3240T>C, p.Cys1080= (NM_001171168.2).
Identifiers: ClinVar variation 3234593 (VCV003234593.20), dbSNP rs2507773695, ClinGen allele CA497544228.
Genomic context (GRCh38, chr17:4,969,648, plus strand): 5'-TGGTGGGTTGCTGGTTACACTTTTGAGGGAGAAGGGTCTCACCTGCTTGTACTTCCGGTA[A>G]CAGCGCTGGATTACAGCTGCTGCTACCTCCTGCTGCTCCTTCAGCCGCCGGCCCTGAAGG-3'
Protein context (NP_055914.2, residues 1071-1091): QEVAAAVIQR[Cys1081=]YRKYKQLTWI